The following is an entry in ClinVar:

NM_032816.5(CEP89):c.1653C>G (p.Ser551Arg)

Gene: CEP89 (centrosomal protein 89; minus strand). Cytogenetic location: 19q13.11.
Variant type: single nucleotide variant.
Coding change: c.1653C>G on transcript NM_032816.5 (MANE Select); coding-DNA position 1653, C replaced by G.
Protein change: p.Ser551Arg; replaces serine 551 with arginine.
Molecular consequence: missense variant.
Genome position (GRCh38, 1-based): chr19:32,901,325, G>C on the plus strand (C>G on the coding strand, the complement: CEP89 is on the minus strand). VCF-style: chr19-32901325-G-C. GRCh37 (hg19) VCF-style: chr19-33392231-G-C.
Other names: short protein forms S551R.
Identifiers: ClinVar variation 2316143 (VCV002316143.3), dbSNP rs775414751, ClinGen allele CA9359220.

ClinVar aggregate classification (germline): Uncertain significance. Review status: criteria provided, multiple submitters, no conflicts (2 of 4 stars). 2 submissions from 2 submitters: Uncertain significance (2). Last evaluated 2026-01-26.

Allele frequency attached by ClinVar (database versions not stated): TOPMed 0.00001; gnomAD exomes 0.00002; ExAC 0.00004.
gnomAD v4.1: 35 of 1,614,114 alleles (0.0022%); highest among the groups gnomAD compares: Non-Finnish European, 0.003%; no homozygotes.

Submissions (2):

Labcorp Genetics (formerly Invitae), Labcorp
Classification: Uncertain significance. Last evaluated: 2026-01-26. Review status: criteria provided, single submitter. Criteria: Invitae Variant Classification Sherloc (09022015). Collection method: clinical testing. Allele origin: germline.
Comment: This sequence change replaces serine, which is neutral and polar, with arginine, which is basic and polar, at codon 551 of the CEP89 protein (p.Ser551Arg). This variant is present in population databases (rs775414751, gnomAD 0.006%). This variant has not been reported in the literature in individuals affected with CEP89-related conditions. ClinVar contains an entry for this variant (Variation ID: 2316143). An algorithm developed to predict the effect of missense changes on protein structure and function (PolyPhen-2) suggests that this variant is likely to be disruptive. In summary, the available evidence is currently insufficient to determine the role of this variant in disease. Therefore, it has been classified as a Variant of Uncertain Significance.

Ambry Genetics
Classification: Uncertain significance. Last evaluated: 2022-10-04. Review status: criteria provided, single submitter. Criteria: Ambry Variant Classification Scheme 2023. Collection method: clinical testing. Allele origin: germline.